The following is an entry in ClinVar:

ClinVar aggregate classification (germline): Pathogenic/Likely pathogenic. Review status: criteria provided, multiple submitters, no conflicts (2 of 4 stars). 4 submissions from 4 submitters: Pathogenic (3); Likely pathogenic (1). Last evaluated 2025-02-17.

Conditions:
Arthrogryposis, renal dysfunction, and cholestasis 1 (ARCS1). Identifiers: Orphanet 2697, MedGen C1859722, MONDO:0008822, OMIM 208085.
Keratoderma-ichthyosis-deafness syndrome, autosomal recessive (KDIDAR). Identifiers: MedGen C5774200, MONDO:0859278, OMIM 620009.
Cholestasis, progressive familial intrahepatic, 12 (PFIC12). Also called: CHOLESTASIS, ISOLATED LOW-GGT. Identifiers: MedGen C5774311, MONDO:0031040, OMIM 620010.

Allele frequency attached by ClinVar (database versions not stated): TOPMed 0.00001.
gnomAD v4.1: 17 of 1,612,856 alleles (0.0011%); highest among the groups gnomAD compares: Admixed American, 0.028%; no homozygotes.

Submissions (4):

Labcorp Genetics (formerly Invitae), Labcorp
Classification: Pathogenic. Last evaluated: 2025-02-17. Review status: criteria provided, single submitter. Criteria: Invitae Variant Classification Sherloc (09022015). Collection method: clinical testing. Allele origin: germline.
Comment: This sequence change creates a premature translational stop signal (p.Glu500*) in the VPS33B gene. It is expected to result in an absent or disrupted protein product. Loss-of-function variants in VPS33B are known to be pathogenic (PMID: 15052268, 16896922). This variant is present in population databases (rs751858602, gnomAD 0.04%). This premature translational stop signal has been observed in individual(s) with arthrogryposis, renal dysfunction, and cholestasis syndrome (PMID: 22753090). ClinVar contains an entry for this variant (Variation ID: 437260). For these reasons, this variant has been classified as Pathogenic.

Mayo Clinic Laboratories, Mayo Clinic
Classification: Pathogenic. Last evaluated: 2024-06-12. Review status: criteria provided, single submitter. Criteria: ACMG Guidelines, 2015. Collection method: clinical testing. Allele origin: germline. Observed: 1 variant allele.
Comment: PM3_supporting, PS4_moderate, PVS1

Fulgent Genetics
Classification: Likely pathogenic for Arthrogryposis, renal dysfunction, and cholestasis 1; Keratoderma-ichthyosis-deafness syndrome, autosomal recessive; Cholestasis, progressive familial intrahepatic, 12. Last evaluated: 2024-01-23. Review status: criteria provided, single submitter. Criteria: ACMG Guidelines, 2015. Collection method: clinical testing. Allele origin: germline.

Genetic Services Laboratory, University of Chicago
Classification: Pathogenic for Arthrogryposis, renal dysfunction, and cholestasis 1. Last evaluated: 2017-06-15. Review status: criteria provided, single submitter. Criteria: ACMG Guidelines, 2015. Collection method: clinical testing. Allele origin: germline. Affected: yes.

Literature cited by the submitters: PubMed 15052268 (cited by Labcorp Genetics (formerly Invitae), Labcorp); PubMed 16896922 (cited by Labcorp Genetics (formerly Invitae), Labcorp); PubMed 22753090 (cited by Labcorp Genetics (formerly Invitae), Labcorp and Mayo Clinic Laboratories, Mayo Clinic); PubMed 25239142 (cited by Mayo Clinic Laboratories, Mayo Clinic).

NM_018668.5(VPS33B):c.1498G>T (p.Glu500Ter)

Gene: VPS33B (VPS33B late endosome and lysosome associated; minus strand). Cytogenetic location: 15q26.1.
Variant type: single nucleotide variant.
Coding change: c.1498G>T on transcript NM_018668.5 (MANE Select); coding-DNA position 1498, G replaced by T.
Protein change: p.Glu500Ter; replaces glutamic acid 500 with a stop codon.
Molecular consequence: nonsense.
Genome position (GRCh38, 1-based): chr15:91,000,573, C>A on the plus strand (G>T on the coding strand, the complement: VPS33B is on the minus strand). VCF-style: chr15-91000573-C-A. GRCh37 (hg19) VCF-style: chr15-91543803-C-A.
Other names: p.Glu500*; c.1498G>T (NM_018668.4); c.1417G>T, p.Glu473Ter (NM_001289148.1); c.1225G>T, p.Glu409Ter (NM_001289149.1); short protein forms E500*, E409*, E473*.
Identifiers: ClinVar variation 437260 (VCV000437260.12), dbSNP rs751858602, ClinGen allele CA7744614.